The following is an entry in ClinVar:

NM_001005242.3(PKP2):c.2072G>A (p.Arg691Gln)

Gene: PKP2 (plakophilin 2; minus strand). Cytogenetic location: 12p11.21.
Variant type: single nucleotide variant.
Coding change: c.2072G>A on transcript NM_001005242.3 (MANE Select); coding-DNA position 2072, G replaced by A.
Protein change: p.Arg691Gln; replaces arginine 691 with glutamine.
Molecular consequence: missense variant.
Genome position (GRCh38, 1-based): chr12:32,802,498, C>T on the plus strand (G>A on the coding strand, the complement: PKP2 is on the minus strand). VCF-style: chr12-32802498-C-T. GRCh37 (hg19) VCF-style: chr12-32955432-C-T.
Other names: c.2204G>A, p.Arg735Gln (NM_004572.4); short protein forms R691Q, R735Q.
Identifiers: ClinVar variation 919115 (VCV000919115.13), dbSNP rs547215531, ClinGen allele CA033406.

ClinVar aggregate classification (germline): Conflicting classifications of pathogenicity. Review status: criteria provided, conflicting classifications (1 of 4 stars). 5 submissions from 5 submitters: Uncertain significance (2); Likely benign (3). Last evaluated 2026-01-21.

Conditions:
Cardiovascular phenotype. Identifiers: MedGen CN230736.
Cardiomyopathy (CMYO). Also called: Cardiomyopathies. Identifiers: Orphanet 167848, MedGen C0878544, MONDO:0004994, HP:0001638. Inheritance: Various modes of inheritance.
Arrhythmogenic right ventricular dysplasia 9 (ARVD9). Also called: ARRHYTHMOGENIC RIGHT VENTRICULAR DYSPLASIA, FAMILIAL, 9; Arrhythmogenic Right Ventricular Dysplasia/Cardiomyopathy 9. Identifiers: MedGen C1836906, MONDO:0012180, OMIM 609040.

Allele frequency attached by ClinVar (database versions not stated): gnomAD 0.00002 and 0.00005; gnomAD exomes 0.00003 and 0.00008; TOPMed 0.00003; ExAC 0.00006; 1000 Genomes Project 30x 0.00016; 1000 Genomes Project 0.00020.
gnomAD v4.1: 50 of 1,613,786 alleles (0.0031%); highest among the groups gnomAD compares: East Asian, 0.025%; no homozygotes.

Submissions (5):

Labcorp Genetics (formerly Invitae), Labcorp
Classification: Uncertain significance for Arrhythmogenic right ventricular dysplasia 9. Last evaluated: 2026-01-21. Review status: criteria provided, single submitter. Criteria: Invitae Variant Classification Sherloc (09022015). Collection method: clinical testing. Allele origin: germline.
Comment: This sequence change replaces arginine, which is basic and polar, with glutamine, which is neutral and polar, at codon 735 of the PKP2 protein (p.Arg735Gln). This variant is present in population databases (rs547215531, gnomAD 0.05%). This missense change has been observed in individual(s) with arrhythmogenic right-ventricular cardiomyopathy (PMID: 25825460). ClinVar contains an entry for this variant (Variation ID: 919115). An algorithm developed to predict the effect of missense changes on protein structure and function (PolyPhen-2) suggests that this variant is likely to be disruptive. In summary, the available evidence is currently insufficient to determine the role of this variant in disease. Therefore, it has been classified as a Variant of Uncertain Significance.

Ambry Genetics
Classification: Likely benign for Cardiovascular phenotype. Last evaluated: 2023-10-06. Review status: criteria provided, single submitter. Criteria: Ambry Variant Classification Scheme 2023. Collection method: clinical testing. Allele origin: germline.

CHEO Genetics Diagnostic Laboratory, Children's Hospital of Eastern Ontario
Classification: Likely benign for Cardiomyopathy. Last evaluated: 2021-05-28. Review status: criteria provided, single submitter. Criteria: ACMG Guidelines, 2015. Collection method: clinical testing. Allele origin: germline.

GeneDx
Classification: Uncertain significance. Last evaluated: 2020-09-10. Review status: criteria provided, single submitter. Criteria: GeneDx Variant Classification Process June 2021. Collection method: clinical testing. Allele origin: germline. Affected: yes.
Comment: Has not been previously published as pathogenic or benign to our knowledge; Reported in ClinVar (ClinVar Variant ID# 919115; Landrum et al., 2016); In silico analysis supports that this missense variant does not alter protein structure/function; This variant is associated with the following publications: (PMID: 25825460)

Color Diagnostics, LLC DBA Color Health
Classification: Likely benign for Cardiomyopathy. Last evaluated: 2020-01-14. Review status: criteria provided, single submitter. Criteria: ACMG Guidelines, 2015. Collection method: clinical testing. Allele origin: germline.

Literature cited by the submitters: PubMed 25825460 (cited by Labcorp Genetics (formerly Invitae), Labcorp and Ambry Genetics).